The following is an entry in ClinVar:

NM_001458.5(FLNC):c.1394C>T (p.Pro465Leu)

Gene: FLNC (filamin C; plus strand). Cytogenetic location: 7q32.1.
Variant type: single nucleotide variant.
Coding change: c.1394C>T on transcript NM_001458.5 (MANE Select); coding-DNA position 1394, C replaced by T.
Protein change: p.Pro465Leu; replaces proline 465 with leucine.
Molecular consequence: missense variant.
Genome position (GRCh38, 1-based): chr7:128,838,786, C>T. VCF-style: chr7-128838786-C-T. GRCh37 (hg19) VCF-style: chr7-128478840-C-T.
Other names: c.1394C>T, p.Pro465Leu (NM_001127487.2); short protein forms P465L.
Identifiers: ClinVar variation 2937771 (VCV002937771.3), dbSNP rs2536622472, ClinGen allele CA369225228.

ClinVar aggregate classification (germline): Uncertain significance (1 of 4 stars; one submission).

Conditions:
Hypertrophic cardiomyopathy 26. Also called: Cardiomyopathy, familial hypertrophic, 26. Identifiers: Orphanet 75249, MedGen C4310749, MONDO:0014883, OMIM 617047.
Myofibrillar myopathy 5. Also called: Filaminopathy (type); FILAMINOPATHY, AUTOSOMAL DOMINANT. Identifiers: Orphanet 171445, MedGen C1836050, MONDO:0012289, OMIM 609524.
Distal myopathy with posterior leg and anterior hand involvement. Also called: WILLIAMS DISTAL MYOPATHY. Identifiers: Orphanet 63273, MedGen C3279722, MONDO:0013550, OMIM 614065.

Allele frequency attached by ClinVar (database versions not stated): gnomAD exomes below 0.00001.
gnomAD v4.1: 1 of 1,612,906 alleles (0.000062%); highest among the groups gnomAD compares: Non-Finnish European, 0.000085%; no homozygotes.

Submission:

Labcorp Genetics (formerly Invitae), Labcorp
Classification: Uncertain significance for Distal myopathy with posterior leg and anterior hand involvement; Myofibrillar myopathy 5; Hypertrophic cardiomyopathy 26. Last evaluated: 2024-04-05. Review status: criteria provided, single submitter. Criteria: Invitae Variant Classification Sherloc (09022015). Collection method: clinical testing. Allele origin: germline.
Comment: This sequence change replaces proline, which is neutral and non-polar, with leucine, which is neutral and non-polar, at codon 465 of the FLNC protein (p.Pro465Leu). This variant is not present in population databases (gnomAD no frequency). This variant has not been reported in the literature in individuals affected with FLNC-related conditions. Advanced modeling of protein sequence and biophysical properties (such as structural, functional, and spatial information, amino acid conservation, physicochemical variation, residue mobility, and thermodynamic stability) has been performed at Invitae for this missense variant, however the output from this modeling did not meet the statistical confidence thresholds required to predict the impact of this variant on FLNC protein function. In summary, the available evidence is currently insufficient to determine the role of this variant in disease. Therefore, it has been classified as a Variant of Uncertain Significance.